The following is an entry in ClinVar:

NM_001365536.1(SCN9A):c.4207G>T (p.Ala1403Ser)

Genes: SCN9A (sodium voltage-gated channel alpha subunit 9; minus strand), SCN1A-AS1 (SCN1A and SCN9A antisense RNA 1; plus strand). Cytogenetic location: 2q24.3.
Variant type: single nucleotide variant.
Coding change: c.4207G>T on transcript NM_001365536.1 (MANE Select); coding-DNA position 4207, G replaced by T.
Protein change: p.Ala1403Ser; replaces alanine 1403 with serine.
Molecular consequence: missense variant.
Genome position (GRCh38, 1-based): chr2:166,227,723, C>A on the plus strand (G>T on the coding strand, the complement: SCN9A is on the minus strand). VCF-style: chr2-166227723-C-A. GRCh37 (hg19) VCF-style: chr2-167084233-C-A.
Other names: c.4174G>T, p.Ala1392Ser (NM_002977.4); short protein forms A1392S, A1403S.
Identifiers: ClinVar variation 2682505 (VCV002682505.1), dbSNP rs1178380407, ClinGen allele CA349063026.

ClinVar aggregate classification (germline): Uncertain significance (1 of 4 stars; one submission).

Submission:

Women's Health and Genetics/Laboratory Corporation of America, LabCorp
Classification: Uncertain significance. Last evaluated: 2023-11-14. Review status: criteria provided, single submitter. Criteria: LabCorp Variant Classification Summary - May 2015. Collection method: clinical testing. Allele origin: germline.
Comment: Variant summary: SCN9A c.4174G>T (p.Ala1392Ser) results in a conservative amino acid change in the encoded protein sequence. Four of five in-silico tools predict a damaging effect of the variant on protein function. Several computational tools predict a significant impact on normal splicing: One predicts the variant abolishes a 3 acceptor site. Two predict the variant weakens a 3 acceptor site. However, these predictions have yet to be confirmed by functional studies. The variant was absent in 162986 control chromosomes (gnomAD). The available data on variant occurrences in the general population are insufficient to allow any conclusion about variant significance. To our knowledge, no occurrence of c.4174G>T in individuals affected with Primary Erythromelalgia and no experimental evidence demonstrating its impact on protein function have been reported. No submitters have cited clinical-significance assessments for this variant to ClinVar after 2014. Based on the evidence outlined above, the variant was classified as uncertain significance.